The following is an entry in ClinVar:

NM_199355.4(ADAMTS18):c.3095C>G (p.Thr1032Ser)

Gene: ADAMTS18 (ADAM metallopeptidase with thrombospondin type 1 motif 18; minus strand). Cytogenetic location: 16q23.1.
Variant type: single nucleotide variant.
Coding change: c.3095C>G on transcript NM_199355.4 (MANE Select); coding-DNA position 3095, C replaced by G.
Protein change: p.Thr1032Ser; replaces threonine 1032 with serine.
Molecular consequence: missense variant.
Genome position (GRCh38, 1-based): chr16:77,293,170, G>C on the plus strand (C>G on the coding strand, the complement: ADAMTS18 is on the minus strand). VCF-style: chr16-77293170-G-C. GRCh37 (hg19) VCF-style: chr16-77327067-G-C.
Other names: c.2579C>G, p.Thr860Ser (NM_001326358.2); short protein forms T860S, T1032S.
Identifiers: ClinVar variation 1474105 (VCV001474105.8), dbSNP rs1023239338, ClinGen allele CA284424463.

ClinVar aggregate classification (germline): Uncertain significance (1 of 4 stars; one submission).

Allele frequency attached by ClinVar (database versions not stated): gnomAD 0.00001; gnomAD exomes 0.00001; TOPMed 0.00001.
gnomAD v4.1: 15 of 1,613,906 alleles (0.00093%); highest among the groups gnomAD compares: Admixed American, 0.0017%; no homozygotes.

Submission:

Labcorp Genetics (formerly Invitae), Labcorp
Classification: Uncertain significance. Last evaluated: 2022-02-10. Review status: criteria provided, single submitter. Criteria: Invitae Variant Classification Sherloc (09022015). Collection method: clinical testing. Allele origin: germline.
Comment: Algorithms developed to predict the effect of missense changes on protein structure and function output the following: SIFT: "Not Available"; PolyPhen-2: "Benign"; Align-GVGD: "Not Available". The serine amino acid residue is found in multiple mammalian species, which suggests that this missense change does not adversely affect protein function. This sequence change replaces threonine with serine at codon 1032 of the ADAMTS18 protein (p.Thr1032Ser). This variant is present in population databases (no rsID available, gnomAD 0.003%). This variant has not been reported in the literature in individuals affected with ADAMTS18-related conditions. In summary, the available evidence is currently insufficient to determine the role of this variant in disease. Therefore, it has been classified as a Variant of Uncertain Significance.